The following is an entry in ClinVar:

ClinVar aggregate classification (germline): Pathogenic (1 of 4 stars; one submission).

Submission:

Labcorp Genetics (formerly Invitae), Labcorp
Classification: Pathogenic. Last evaluated: 2021-06-13. Review status: criteria provided, single submitter. Criteria: Invitae Variant Classification Sherloc (09022015). Collection method: clinical testing. Allele origin: germline.
Comment: This variant is not present in population databases (ExAC no frequency). This sequence change creates a premature translational stop signal (p.Lys4Serfs*3) in the LPL gene. It is expected to result in an absent or disrupted protein product. Loss-of-function variants in LPL are known to be pathogenic (PMID: 11334614). This variant has not been reported in the literature in individuals with LPL-related conditions. For these reasons, this variant has been classified as Pathogenic.

Literature cited by the submitters: PubMed 11334614.

NM_000237.3(LPL):c.10_19del (p.Lys4fs)

Gene: LPL (lipoprotein lipase; plus strand). Cytogenetic location: 8p21.3.
Variant type: Deletion.
Coding change: c.10_19del on transcript NM_000237.3 (MANE Select); coding-DNA positions 10 to 19, 10 bases deleted (AAAGCCCTGC; older notation c.10_19delAAAGCCCTGC).
Protein change: p.Lys4fs; shifts the reading frame from lysine 4.
Molecular consequence: frameshift variant.
Genome position (GRCh38, 1-based): chr8:19,939,450-19,939,459, AAAGCCCTGC deleted; deleting any 10 consecutive bases within chr8:19,939,448-19,939,459 gives the same sequence; the c. name uses the placement nearest the transcript's 3' end. VCF-style (leftmost placement, unchanged base first): chr8-19939447-AGCAAAGCCCT-A. GRCh37 (hg19) VCF-style: chr8-19796958-AGCAAAGCCCT-A.
Other names: short protein forms K4fs.
Identifiers: ClinVar variation 1455947 (VCV001455947.6), dbSNP rs2128835130, ClinGen allele CA2573142625.